The following is an entry in ClinVar:

NM_015331.3(NCSTN):c.196A>G (p.Ile66Val)

Gene: NCSTN (nicastrin; plus strand). Cytogenetic location: 1q23.2.
Variant type: single nucleotide variant.
Coding change: c.196A>G on transcript NM_015331.3 (MANE Select); coding-DNA position 196, A replaced by G.
Protein change: p.Ile66Val; replaces isoleucine 66 with valine.
Molecular consequence: missense variant.
Genome position (GRCh38, 1-based): chr1:160,349,004, A>G. VCF-style: chr1-160349004-A-G. GRCh37 (hg19) VCF-style: chr1-160318794-A-G.
Other names: c.136A>G, p.Ile46Val (NM_001290184.2); c.196A>G, p.Ile66Val (NM_001290186.2, NM_001349729.2); short protein forms I66V, I46V.
Identifiers: ClinVar variation 3698328 (VCV003698328.2).
Genomic context (GRCh38, chr1:160,349,004, plus strand): 5'-AAAGTCAGAATTGTTAACTATGGGAGCTTTAATTTGACTCATTCTGTCCTGGCAGCTTCA[A>G]TTAGTGGAGACACAGGGGTTATCCACGTAGTAGAGAAAGAGGAGGACCTACAGTGGGTAT-3'
Protein context (NP_056146.1, residues 56-76): ATHQIGCQSS[Ile66Val]SGDTGVIHVV

ClinVar aggregate classification (germline): Uncertain significance (1 of 4 stars; one submission).

gnomAD v4.1: 4 of 1,614,082 alleles (0.00025%); highest among the groups gnomAD compares: Admixed American, 0.0017%; no homozygotes.

Submission:

Labcorp Genetics (formerly Invitae), Labcorp
Classification: Uncertain significance. Last evaluated: 2025-04-30. Review status: criteria provided, single submitter. Criteria: Invitae Variant Classification Sherloc (09022015). Collection method: clinical testing. Allele origin: germline.
Comment: This sequence change replaces isoleucine, which is neutral and non-polar, with valine, which is neutral and non-polar, at codon 66 of the NCSTN protein (p.Ile66Val). This variant is present in population databases (rs762056001, gnomAD 0.003%). This variant has not been reported in the literature in individuals affected with NCSTN-related conditions. ClinVar contains an entry for this variant (Variation ID: 3698328). Invitae Evidence Modeling of protein sequence and biophysical properties (such as structural, functional, and spatial information, amino acid conservation, physicochemical variation, residue mobility, and thermodynamic stability) indicates that this missense variant is not expected to disrupt NCSTN protein function with a negative predictive value of 80%. In summary, the available evidence is currently insufficient to determine the role of this variant in disease. Therefore, it has been classified as a Variant of Uncertain Significance.